The following is an entry in ClinVar:

ClinVar aggregate classification (germline): Uncertain significance (1 of 4 stars; one submission).

Submission:

GeneDx
Classification: Uncertain significance. Last evaluated: 2026-02-03. Review status: criteria provided, single submitter. Criteria: GeneDx Variant Classification Process June 2021. Collection method: clinical testing. Allele origin: germline. Affected: yes.
Comment: Not observed at significant frequency in large population cohorts (gnomAD); In silico analysis suggests that this missense variant does not alter protein structure/function; Has not been previously published as pathogenic or benign to our knowledge

NM_014112.5(TRPS1):c.2071G>A (p.Glu691Lys)

Gene: TRPS1 (transcriptional repressor GATA binding 1; minus strand). Cytogenetic location: 8q23.3.
Variant type: single nucleotide variant.
Coding change: c.2071G>A on transcript NM_014112.5 (MANE Select); coding-DNA position 2071, G replaced by A.
Protein change: p.Glu691Lys; replaces glutamic acid 691 with lysine.
Molecular consequence: missense variant.
Genome position (GRCh38, 1-based): chr8:115,603,898, C>T on the plus strand (G>A on the coding strand, the complement: TRPS1 is on the minus strand). VCF-style: chr8-115603898-C-T. GRCh37 (hg19) VCF-style: chr8-116616125-C-T.
Other names: c.2044G>A, p.Glu682Lys (NM_001282902.3); c.2050G>A, p.Glu684Lys (NM_001282903.3); c.2032G>A, p.Glu678Lys (NM_001330599.2); short protein forms E682K, E691K, E678K, E684K.
Identifiers: ClinVar variation 2136205 (VCV002136205.3), dbSNP rs2536888167, ClinGen allele CA372065987.